The following is an entry in ClinVar:

NM_000400.4(ERCC2):c.1254C>T (p.Ile418=)

Gene: ERCC2 (ERCC excision repair 2, TFIIH core complex helicase subunit; minus strand). Cytogenetic location: 19q13.32.
Variant type: single nucleotide variant.
Coding change: c.1254C>T on transcript NM_000400.4 (MANE Select); coding-DNA position 1254, C replaced by T.
Protein change: p.Ile418=; no amino-acid change (isoleucine 418 retained).
Molecular consequence: synonymous variant.
Genome position (GRCh38, 1-based): chr19:45,357,683, G>A on the plus strand (C>T on the coding strand, the complement: ERCC2 is on the minus strand). VCF-style: chr19-45357683-G-A. GRCh37 (hg19) VCF-style: chr19-45860941-G-A.
Identifiers: ClinVar variation 1761457 (VCV001761457.34), dbSNP rs1314227154, ClinGen allele CA507821708.

ClinVar aggregate classification (germline): Likely benign. Review status: criteria provided, multiple submitters, no conflicts (2 of 4 stars). 3 submissions from 3 submitters: Likely benign (3). Last evaluated 2026-01-24.

Conditions:
Inborn genetic diseases. Identifiers: MedGen C0950123, MeSH D030342.

Allele frequency attached by ClinVar (database versions not stated): gnomAD 0.00001; gnomAD exomes 0.00001; TOPMed 0.00001.

Submissions (3):

Labcorp Genetics (formerly Invitae), Labcorp
Classification: Likely benign. Last evaluated: 2026-01-24. Review status: criteria provided, single submitter. Criteria: Invitae Variant Classification Sherloc (09022015). Collection method: clinical testing. Allele origin: germline.

CeGaT Center for Human Genetics Tuebingen
Classification: Likely benign. Last evaluated: 2023-05-01. Review status: criteria provided, single submitter. Criteria: CeGaT Center For Human Genetics Tuebingen Variant Classification Criteria Version 2. Collection method: clinical testing. Allele origin: germline. Affected: yes. Observed: 1 variant allele.
Comment: ERCC2: BP4, BP7

Ambry Genetics
Classification: Likely benign for Inborn genetic diseases. Last evaluated: 2022-04-23. Review status: criteria provided, single submitter. Criteria: Ambry Variant Classification Scheme 2023. Collection method: clinical testing. Allele origin: germline.